The following is an entry in ClinVar:

NM_001018115.3(FANCD2):c.4163A>G (p.Asn1388Ser)

Genes: FANCD2 (FA complementation group D2; plus strand), FANCD2OS (FANCD2 opposite strand; minus strand). Cytogenetic location: 3p25.3.
Variant type: single nucleotide variant.
Coding change: c.4163A>G on transcript NM_001018115.3 (MANE Select); coding-DNA position 4163, A replaced by G.
Protein change: p.Asn1388Ser; replaces asparagine 1388 with serine.
Molecular consequence: missense variant. On other transcripts: intron variant (1).
Genome position (GRCh38, 1-based): chr3:10,096,450, A>G. VCF-style: chr3-10096450-A-G. GRCh37 (hg19) VCF-style: chr3-10138134-A-G.
Other names: c.4163A>G, p.Asn1388Ser (NM_001319984.2, NM_033084.6); c.4052A>G, p.Asn1351Ser (NM_001374253.1); c.4124A>G, p.Asn1375Ser (NM_001374254.1); c.*43+7748T>C (NM_173472.2); short protein forms N1351S, N1375S, N1388S.
Identifiers: ClinVar variation 1692053 (VCV001692053.4), dbSNP rs745472884, ClinGen allele CA2250632.

ClinVar aggregate classification (germline): Uncertain significance. Review status: criteria provided, multiple submitters, no conflicts (2 of 4 stars). 3 submissions from 3 submitters: Uncertain significance (3). Last evaluated 2022-05-03.

Conditions:
Fanconi anemia (FA). Also called: Fanconi's anemia. Identifiers: Orphanet 84, MedGen C0015625, MeSH D005199, MONDO:0019391.
Fanconi anemia complementation group D2. Also called: FANCD2-Related Fanconi Anemia; FANCONI PANCYTOPENIA, TYPE 4; FANCONI ANEMIA, COMPLEMENTATION GROUP D. Identifiers: Orphanet 84, MedGen C3160738, MONDO:0009214, OMIM 227646.

Allele frequency attached by ClinVar (database versions not stated): ExAC 0.00001; gnomAD 0.00001; gnomAD exomes 0.00001; TOPMed 0.00001.
gnomAD v4.1: 12 of 1,614,044 alleles (0.00074%); highest among the groups gnomAD compares: Admixed American, 0.0017%; no homozygotes.

Submissions (3):

Labcorp Genetics (formerly Invitae), Labcorp
Classification: Uncertain significance for Fanconi anemia. Last evaluated: 2022-05-03. Review status: criteria provided, single submitter. Criteria: Invitae Variant Classification Sherloc (09022015). Collection method: clinical testing. Allele origin: germline.
Comment: This sequence change replaces asparagine, which is neutral and polar, with serine, which is neutral and polar, at codon 1388 of the FANCD2 protein (p.Asn1388Ser). This variant is present in population databases (rs745472884, gnomAD 0.003%). This variant has not been reported in the literature in individuals affected with FANCD2-related conditions. Algorithms developed to predict the effect of missense changes on protein structure and function are either unavailable or do not agree on the potential impact of this missense change (SIFT: "Tolerated"; PolyPhen-2: "Probably Damaging"; Align-GVGD: "Class C0"). Algorithms developed to predict the effect of sequence changes on RNA splicing suggest that this variant may create or strengthen a splice site. In summary, the available evidence is currently insufficient to determine the role of this variant in disease. Therefore, it has been classified as a Variant of Uncertain Significance.

Sema4
Classification: Uncertain significance for Fanconi anemia. Last evaluated: 2022-01-23. Review status: criteria provided, single submitter. Criteria: Sema4 Curation Guidelines. Collection method: curation. Allele origin: germline.
Comment: The FANCD2 c.4163A>G (p.N1388S) variant has not been reported in the literature to our knowledge. It was observed in 1/30616 chromosomes of the South Asian subpopulation in the large and broad cohorts of the Genome Aggregation Database (PMID: 32461654). The variant has not been reported in ClinVar. Functional studies have not been performed, and in silico predictions of the variant's effect on protein function are inconclusive. The evidence is insufficient to meet ACMG/AMP criteria for classifying the variant as benign or pathogenic. Thus, the clinical significance of this variant is currently uncertain.

Fulgent Genetics
Classification: Uncertain significance for Fanconi anemia complementation group D2. Last evaluated: 2021-11-12. Review status: criteria provided, single submitter. Criteria: ACMG Guidelines, 2015. Collection method: clinical testing. Allele origin: unknown.